The following is an entry in ClinVar:

ClinVar aggregate classification (germline): Uncertain significance. Review status: criteria provided, multiple submitters, no conflicts (2 of 4 stars). 2 submissions from 2 submitters: Uncertain significance (2). Last evaluated 2025-04-15.

Conditions:
Hereditary breast ovarian cancer syndrome. Also called: Hereditary breast and ovarian cancer syndrome; Hereditary breast and/or ovarian cancer syndrome; Hereditary breast and ovarian cancer syndrome (HBOC); Breast and ovarian cancer; BRCA1- and BRCA2-Associated Hereditary Breast and Ovarian Cancer; Hereditary breast and ovarian cancer. Identifiers: Orphanet 145, MedGen C0677776, MeSH D061325, MONDO:0003582. Disease mechanism: loss of function.

Allele frequency attached by ClinVar (database versions not stated): ExAC 0.00001; gnomAD exomes 0.00001.
gnomAD v4.1: 5 of 1,613,862 alleles (0.00031%); highest among the groups gnomAD compares: South Asian, 0.0055%; no homozygotes.

Submissions (2):

Labcorp Genetics (formerly Invitae), Labcorp
Classification: Uncertain significance for Hereditary breast ovarian cancer syndrome. Last evaluated: 2025-04-15. Review status: criteria provided, single submitter. Criteria: Invitae Variant Classification Sherloc (09022015). Collection method: clinical testing. Allele origin: germline.
Comment: This sequence change replaces serine, which is neutral and polar, with proline, which is neutral and non-polar, at codon 2670 of the BRCA2 protein (p.Ser2670Pro). This variant is present in population databases (rs757206472, gnomAD 0.01%). This variant has not been reported in the literature in individuals affected with BRCA2-related conditions. ClinVar contains an entry for this variant (Variation ID: 1001575). Invitae Evidence Modeling of protein sequence and biophysical properties (such as structural, functional, and spatial information, amino acid conservation, physicochemical variation, residue mobility, and thermodynamic stability) indicates that this missense variant is not expected to disrupt BRCA2 protein function with a negative predictive value of 95%. This variant disrupts the p.Ser2670 amino acid residue in BRCA2. Other variant(s) that disrupt this residue have been determined to be pathogenic (PMID: 19043619, 24735155, 28339459, 29394989, 31191615). This suggests that this residue is clinically significant, and that variants that disrupt this residue are likely to be disease-causing. In summary, the available evidence is currently insufficient to determine the role of this variant in disease. Therefore, it has been classified as a Variant of Uncertain Significance.

German Consortium for Hereditary Breast and Ovarian Cancer, University Hospital Cologne
Classification: Uncertain significance for Hereditary breast ovarian cancer syndrome. Last evaluated: 2024-01-08. Review status: criteria provided, single submitter. Criteria: ClinGen BRCA2 V1.0.0. Collection method: curation. Allele origin: germline.
Comment: . According to the ClinGen ENIGMA BRCA2 v1.0.0 criteria we chose these criteria: PM2 (supporting pathogenic): not in gnomAD, BP4 (supporting benign): HCI prior:0.03 BayesDEL:-0.0909533

Literature cited by the submitters: PubMed 19043619 (cited by Labcorp Genetics (formerly Invitae), Labcorp); PubMed 24735155 (cited by Labcorp Genetics (formerly Invitae), Labcorp); PubMed 28339459 (cited by Labcorp Genetics (formerly Invitae), Labcorp); PubMed 29394989 (cited by Labcorp Genetics (formerly Invitae), Labcorp); PubMed 31191615 (cited by Labcorp Genetics (formerly Invitae), Labcorp).

NM_000059.4(BRCA2):c.8008T>C (p.Ser2670Pro)

Gene: BRCA2 (BRCA2 DNA repair associated; plus strand). Cytogenetic location: 13q13.1.
Variant type: single nucleotide variant.
Coding change: c.8008T>C on transcript NM_000059.4 (MANE Select); coding-DNA position 8008, T replaced by C.
Protein change: p.Ser2670Pro; replaces serine 2670 with proline.
Molecular consequence: missense variant.
Genome position (GRCh38, 1-based): chr13:32,363,210, T>C. VCF-style: chr13-32363210-T-C. GRCh37 (hg19) VCF-style: chr13-32937347-T-C.
Other names: short protein forms S2670P.
Identifiers: ClinVar variation 1001575 (VCV001001575.10), dbSNP rs757206472, ClinGen allele CA6941180.
Genomic context (GRCh38, chr13:32,363,210, plus strand): 5'-AAAATATGCATTTTTGTTTTCACTTTTAGATATGATACGGAAATTGATAGAAGCAGAAGA[T>C]CGGCTATAAAAAAGATAATGGAAAGGGATGACACAGCTGCAAAAACACTTGTTCTCTGTG-3'
Protein context (NP_000050.3, residues 2660-2680): YDTEIDRSRR[Ser2670Pro]AIKKIMERDD